The following is an entry in ClinVar:

ClinVar aggregate classification (germline): Uncertain significance. Review status: criteria provided, multiple submitters, no conflicts (2 of 4 stars). 3 submissions from 3 submitters: Uncertain significance (2). 1 of the submissions does not count toward it. Last evaluated 2025-07-10.

Conditions:
Otosclerosis 12. Identifiers: MedGen C5935610, MONDO:0968980, OMIM 620792.
Hereditary cancer-predisposing syndrome. Also called: Neoplastic Syndromes, Hereditary; Hereditary Cancer Syndrome; Tumor predisposition; Hereditary neoplastic syndrome. Identifiers: Orphanet 140162, MedGen C0027672, MeSH D009386, MONDO:0015356.
Rhabdoid tumor predisposition syndrome 2 (RTPS2). Identifiers: Orphanet 231108, Orphanet 69077, MedGen C2750074, MONDO:0013224, OMIM 613325.

Submissions (3):

Ambry Genetics
Classification: Uncertain significance for Hereditary cancer-predisposing syndrome. Last evaluated: 2025-07-10. Review status: criteria provided, single submitter. Criteria: Ambry Variant Classification Scheme 2023. Collection method: clinical testing. Allele origin: germline.
Comment: The p.E1610K variant (also known as c.4828G>A), located in coding exon 33 of the SMARCA4 gene, results from a G to A substitution at nucleotide position 4828. The glutamic acid at codon 1610 is replaced by lysine, an amino acid with similar properties. This amino acid position is well conserved in available vertebrate species. In addition, the in silico prediction for this alteration is inconclusive. Based on the available evidence, the clinical significance of this variant remains unclear.

Labcorp Genetics (formerly Invitae), Labcorp
Classification: Uncertain significance for Rhabdoid tumor predisposition syndrome 2. Last evaluated: 2025-01-29. Review status: criteria provided, single submitter. Criteria: Invitae Variant Classification Sherloc (09022015). Collection method: clinical testing. Allele origin: germline.
Comment: This sequence change replaces glutamic acid, which is acidic and polar, with lysine, which is basic and polar, at codon 1610 of the SMARCA4 protein (p.Glu1610Lys). This variant is not present in population databases (gnomAD no frequency). This missense change has been observed in individual(s) with otosclerosis (PMID: 37399313). ClinVar contains an entry for this variant (Variation ID: 537771). Invitae Evidence Modeling of protein sequence and biophysical properties (such as structural, functional, and spatial information, amino acid conservation, physicochemical variation, residue mobility, and thermodynamic stability) indicates that this missense variant is not expected to disrupt SMARCA4 protein function with a negative predictive value of 80%. Experimental studies have shown that this missense change affects SMARCA4 function (PMID: 37399313). In summary, the available evidence is currently insufficient to determine the role of this variant in disease. Therefore, it has been classified as a Variant of Uncertain Significance.

OMIM
Classification: Pathogenic for OTOSCLEROSIS 12 (1 family). Last evaluated: 2026-11-13. Review status: no assertion criteria provided. Collection method: literature only. Allele origin: germline. Not counted in ClinVar's aggregate classification.

Literature cited by the submitters: PubMed 37399313 (cited by Labcorp Genetics (formerly Invitae), Labcorp and OMIM).

NM_003072.5(SMARCA4):c.4732G>A (p.Glu1578Lys)

Gene: SMARCA4 (SWI/SNF related BAF chromatin remodeling complex subunit ATPase 4; plus strand). Cytogenetic location: 19p13.2.
Variant type: single nucleotide variant.
Coding change: c.4732G>A on transcript NM_003072.5 (MANE Select); coding-DNA position 4732, G replaced by A.
Protein change: p.Glu1578Lys; replaces glutamic acid 1578 with lysine.
Molecular consequence: missense variant. On other transcripts: non-coding transcript variant (1).
Genome position (GRCh38, 1-based): chr19:11,059,849, G>A. VCF-style: chr19-11059849-G-A. GRCh37 (hg19) VCF-style: chr19-11170525-G-A.
Other names: c.4732G>A, p.Glu1578Lys (NM_001128844.3); c.4642G>A, p.Glu1548Lys (NM_001128845.2); c.4639G>A, p.Glu1547Lys (NM_001128846.2); c.4633G>A, p.Glu1545Lys (NM_001128847.4, NM_001374457.1); c.4630G>A, p.Glu1544Lys (NM_001128848.2); c.4828G>A, p.Glu1610Lys (NM_001128849.3, NM_001387283.1); short protein forms E1610K, E1578K, E1545K, E1544K, E1547K, E1548K.
Identifiers: ClinVar variation 537771 (VCV000537771.15), dbSNP rs1555795999, ClinGen allele CA404079656.